The following is an entry in ClinVar:

NM_000256.3(MYBPC3):c.746G>A (p.Cys249Tyr)

Gene: MYBPC3 (myosin binding protein C3; minus strand). Cytogenetic location: 11p11.2.
Variant type: single nucleotide variant.
Coding change: c.746G>A on transcript NM_000256.3 (MANE Select); coding-DNA position 746, G replaced by A.
Protein change: p.Cys249Tyr; replaces cysteine 249 with tyrosine.
Molecular consequence: missense variant.
Genome position (GRCh38, 1-based): chr11:47,348,450, C>T on the plus strand (G>A on the coding strand, the complement: MYBPC3 is on the minus strand). VCF-style: chr11-47348450-C-T. GRCh37 (hg19) VCF-style: chr11-47370001-C-T.
Other names: short protein forms C249Y.
Identifiers: ClinVar variation 3072830 (VCV003072830.1), dbSNP rs780085082, ClinGen allele CA056600.

ClinVar aggregate classification (germline): Uncertain significance (1 of 4 stars; one submission).

Conditions:
Hypertrophic cardiomyopathy. Also called: HYPERTROPHIC MYOCARDIOPATHY. Identifiers: Orphanet 217569, MedGen C0007194, MeSH D002312, MONDO:0005045, HP:0001639.

Allele frequency attached by ClinVar (database versions not stated): ExAC 0.00001; gnomAD 0.00001.
gnomAD v4.1: 3 of 1,612,818 alleles (0.00019%); highest among the groups gnomAD compares: South Asian, 0.0011%; no homozygotes.

Submission:

All of Us Research Program, National Institutes of Health
Classification: Uncertain significance for Hypertrophic cardiomyopathy. Last evaluated: 2023-08-15. Review status: criteria provided, single submitter. Criteria: ACMG Guidelines, 2015. Collection method: clinical testing. Allele origin: germline. Inheritance: Autosomal dominant inheritance. Observed: 1 variant allele, 1 heterozygote.
Comment: This study involves interpretation of variants in research participants for the purpose of population health screening. Participant phenotype was not available at the time of variant classification. Additional details can be found in publication PMID: 35346344, PMCID: PMC8962531